The following is an entry in ClinVar:

ClinVar aggregate classification (germline): Pathogenic (1 of 4 stars; one submission).

Conditions:
Peroxisome biogenesis disorder 12A (Zellweger). Also called: Peroxisome biogenesis disorder 12A. Identifiers: Orphanet 912, MedGen C3554002, MONDO:0013951, OMIM 614886.

Submission:

Labcorp Genetics (formerly Invitae), Labcorp
Classification: Pathogenic for Peroxisome biogenesis disorder 12A (Zellweger). Last evaluated: 2025-04-07. Review status: criteria provided, single submitter. Criteria: Invitae Variant Classification Sherloc (09022015). Collection method: clinical testing. Allele origin: germline.
Comment: This sequence change creates a premature translational stop signal (p.Phe29Serfs*63) in the PEX19 gene. It is expected to result in an absent or disrupted protein product. Loss-of-function variants in PEX19 are known to be pathogenic (PMID: 10051604, 20683989, 21031596). This variant is not present in population databases (gnomAD no frequency). This variant has not been reported in the literature in individuals affected with PEX19-related conditions. ClinVar contains an entry for this variant (Variation ID: 2842183). For these reasons, this variant has been classified as Pathogenic.

Literature cited by the submitters: PubMed 10051604; PubMed 20683989; PubMed 21031596.

NM_002857.4(PEX19):c.86del (p.Phe29fs)

Gene: PEX19 (peroxisomal biogenesis factor 19; minus strand). Cytogenetic location: 1q23.2.
Variant type: Deletion.
Coding change: c.86del on transcript NM_002857.4 (MANE Select); coding-DNA position 86, one base deleted (T; older notation c.86delT).
Protein change: p.Phe29fs; shifts the reading frame from phenylalanine 29.
Molecular consequence: frameshift variant. On other transcripts: non-coding transcript variant (1).
Genome position (GRCh38, 1-based): chr1:160,283,624, A deleted on the plus strand (T on the coding strand, the reverse complement: PEX19 is on the minus strand); the first of 3 consecutive A bases (chr1:160,283,624-160,283,626); deleting any one gives the same sequence. VCF-style (leftmost placement, unchanged base first): chr1-160283623-GA-G. GRCh37 (hg19) VCF-style: chr1-160253413-GA-G.
Other names: c.86del, p.Phe29fs (NM_001193644.1); short protein forms F29fs.
Identifiers: ClinVar variation 2842183 (VCV002842183.3), dbSNP rs2525319078, ClinGen allele CA2739275351.